The following is an entry in ClinVar:

ClinVar aggregate classification (germline): Uncertain significance (1 of 4 stars; one submission).

gnomAD v4.1: 49 of 1,613,940 alleles (0.003%); highest among the groups gnomAD compares: Non-Finnish European, 0.0041%; no homozygotes.

Submission:

Labcorp Genetics (formerly Invitae), Labcorp
Classification: Uncertain significance. Last evaluated: 2024-10-07. Review status: criteria provided, single submitter. Criteria: Invitae Variant Classification Sherloc (09022015). Collection method: clinical testing. Allele origin: germline.
Comment: This sequence change replaces proline, which is neutral and non-polar, with serine, which is neutral and polar, at codon 206 of the MYLIP protein (p.Pro206Ser). This variant is present in population databases (rs777770124, gnomAD 0.0009%). This variant has not been reported in the literature in individuals affected with MYLIP-related conditions. An algorithm developed to predict the effect of missense changes on protein structure and function (PolyPhen-2) suggests that this variant is likely to be tolerated. In summary, the available evidence is currently insufficient to determine the role of this variant in disease. Therefore, it has been classified as a Variant of Uncertain Significance.

NM_013262.4(MYLIP):c.616C>T (p.Pro206Ser)

Gene: MYLIP (myosin regulatory light chain interacting protein; plus strand). Cytogenetic location: 6p22.3.
Variant type: single nucleotide variant.
Coding change: c.616C>T on transcript NM_013262.4 (MANE Select); coding-DNA position 616, C replaced by T.
Protein change: p.Pro206Ser; replaces proline 206 with serine.
Molecular consequence: missense variant.
Genome position (GRCh38, 1-based): chr6:16,143,171, C>T. VCF-style: chr6-16143171-C-T. GRCh37 (hg19) VCF-style: chr6-16143402-C-T.
Other names: short protein forms P206S.
Identifiers: ClinVar variation 3607849 (VCV003607849.2).